The following is an entry in ClinVar:

ClinVar aggregate classification (germline): Likely benign. Review status: criteria provided, multiple submitters, no conflicts (2 of 4 stars). 2 submissions from 2 submitters: Likely benign (2). Last evaluated 2026-03-22.

Conditions:
LRP5-related disorder. Also called: LRP5-related condition.

gnomAD v4.1: 2 of 1,613,708 alleles (0.00012%); highest among the groups gnomAD compares: African/African-American, 0.0027%; no homozygotes.

Submissions (2):

PreventionGenetics, part of Exact Sciences
Classification: Likely benign for LRP5-related condition. Last evaluated: 2026-03-22. Review status: criteria provided, single submitter. Criteria: ACMG Guidelines, 2015. Collection method: clinical testing. Allele origin: germline.
Comment: This variant is classified as likely benign based on ACMG/AMP sequence variant interpretation guidelines (Richards et al. 2015 PMID: 25741868, with internal and published modifications).

Blueprint Genetics
Classification: Likely benign. Last evaluated: 2023-11-24. Review status: criteria provided, single submitter. Criteria: ACMG Guidelines, 2015. Collection method: clinical testing. Allele origin: germline.

NM_002335.4(LRP5):c.2550T>C (p.Gly850=)

Gene: LRP5 (LDL receptor related protein 5; plus strand). Cytogenetic location: 11q13.2.
Variant type: single nucleotide variant.
Coding change: c.2550T>C on transcript NM_002335.4 (MANE Select); coding-DNA position 2550, T replaced by C.
Protein change: p.Gly850=; no amino-acid change (glycine 850 retained).
Molecular consequence: synonymous variant.
Genome position (GRCh38, 1-based): chr11:68,413,735, T>C. VCF-style: chr11-68413735-T-C. GRCh37 (hg19) VCF-style: chr11-68181203-T-C.
Other names: c.2550T>C (NM_002335.3); c.807T>C, p.Gly269= (NM_001291902.2).
Identifiers: ClinVar variation 4912753 (VCV004912753.2).
Genomic context (GRCh38, chr11:68,413,735, plus strand): 5'-GTGTGTTCATGCAGGTCAGGAGCGGGTCGTGATTGCCGACGATCTCCCGCACCCGTTCGG[T>C]CTGACGCAGTACAGCGATTATATCTACTGGACAGACTGGAATCTGCACAGCATTGAGCGG-3'
Protein context (NP_002326.2, residues 840-860): VIADDLPHPF[Gly850=]LTQYSDYIYW